The following is an entry in ClinVar:

NM_025114.4(CEP290):c.3375T>A (p.Ser1125Arg)

Gene: CEP290 (centrosomal protein 290; minus strand). Cytogenetic location: 12q21.32.
Variant type: single nucleotide variant.
Coding change: c.3375T>A on transcript NM_025114.4 (MANE Select); coding-DNA position 3375, T replaced by A.
Protein change: p.Ser1125Arg; replaces serine 1125 with arginine.
Molecular consequence: missense variant.
Genome position (GRCh38, 1-based): chr12:88,092,767, A>T on the plus strand (T>A on the coding strand, the complement: CEP290 is on the minus strand). VCF-style: chr12-88092767-A-T. GRCh37 (hg19) VCF-style: chr12-88486544-A-T.
Other names: short protein forms S1125R.
Identifiers: ClinVar variation 2163826 (VCV002163826.7), dbSNP rs746874509, ClinGen allele CA6712156.
Genomic context (GRCh38, chr12:88,092,767, plus strand): 5'-TTCATTCTTCTCTAATTCTAGAATCCGTTGCCTATCAGCATCACTTACTGCCTTGCTCAC[A>T]CTATCAGCTAATTCATCTCTTAACATCTGTTCCACCTTCTGTGCATCCAAATTGATTTTG-3'
Protein context (NP_079390.3, residues 1115-1135): EQMLRDELAD[Ser1125Arg]VSKAVSDADR

ClinVar aggregate classification (germline): Uncertain significance. Review status: criteria provided, multiple submitters, no conflicts (2 of 4 stars). 4 submissions from 4 submitters: Uncertain significance (3). 1 of the submissions does not count toward it. Last evaluated 2024-10-15.

Conditions:
Nephronophthisis. Also called: Juvenile Nephronophthisis. Identifiers: Orphanet 655, MedGen C0687120, MONDO:0019005, HP:0000090.
Joubert syndrome. Also called: Familial aplasia of the vermis; JOUBERT-BOLTSHAUSER SYNDROME. Identifiers: Orphanet 475, MedGen C5979921, MONDO:0018772.
Meckel-Gruber syndrome. Also called: Dysencephalia splachnocystica; DYSENCEPHALIA SPLANCHNOCYSTICA; GRUBER SYNDROME. Identifiers: Orphanet 564, MedGen C0265215, MONDO:0018921.
Senior-Loken syndrome 6 (SLSN6). Identifiers: Orphanet 3156, MedGen C1857779, MONDO:0012433, OMIM 610189.
Meckel syndrome, type 4 (MKS4). Also called: MECKEL-GRUBER SYNDROME, TYPE 4. Identifiers: Orphanet 564, MedGen C1970161, MONDO:0012626, OMIM 611134.
Joubert syndrome 5 (JBTS5). Identifiers: Orphanet 2318, MedGen C1857780, MONDO:0012432, OMIM 610188.
Bardet-Biedl syndrome 14 (BBS14). Identifiers: Orphanet 110, MedGen C2673874, MONDO:0014442, OMIM 615991.
Leber congenital amaurosis 10 (LCA10). Identifiers: Orphanet 65, MedGen C1857821, MONDO:0012723, OMIM 611755.
CEP290-related disorder. Also called: CEP290-related condition; CEP290-related disorders. Identifiers: MedGen CN239314.

Allele frequency attached by ClinVar (database versions not stated): gnomAD exomes 0.00001; ExAC 0.00002; gnomAD 0.00010; TOPMed 0.00012.
gnomAD v4.1: 23 of 1,610,458 alleles (0.0014%); highest among the groups gnomAD compares: African/African-American, 0.029%; no homozygotes.

Submissions (4):

Labcorp Genetics (formerly Invitae), Labcorp
Classification: Uncertain significance for Joubert syndrome; Meckel-Gruber syndrome; Nephronophthisis. Last evaluated: 2024-10-15. Review status: criteria provided, single submitter. Criteria: Invitae Variant Classification Sherloc (09022015). Collection method: clinical testing. Allele origin: germline.
Comment: This sequence change replaces serine, which is neutral and polar, with arginine, which is basic and polar, at codon 1125 of the CEP290 protein (p.Ser1125Arg). This variant is present in population databases (rs746874509, gnomAD 0.02%). This variant has not been reported in the literature in individuals affected with CEP290-related conditions. ClinVar contains an entry for this variant (Variation ID: 2163826). Invitae Evidence Modeling of protein sequence and biophysical properties (such as structural, functional, and spatial information, amino acid conservation, physicochemical variation, residue mobility, and thermodynamic stability) indicates that this missense variant is expected to disrupt CEP290 protein function with a positive predictive value of 80%. In summary, the available evidence is currently insufficient to determine the role of this variant in disease. Therefore, it has been classified as a Variant of Uncertain Significance.

Fulgent Genetics
Classification: Uncertain significance for Joubert syndrome 5; Senior-Loken syndrome 6; Meckel syndrome, type 4; Leber congenital amaurosis 10; Bardet-Biedl syndrome 14. Last evaluated: 2024-03-22. Review status: criteria provided, single submitter. Criteria: ACMG Guidelines, 2015. Collection method: clinical testing. Allele origin: germline.

Blueprint Genetics
Classification: Uncertain significance. Last evaluated: 2022-11-15. Review status: criteria provided, single submitter. Criteria: ACMG Guidelines, 2015. Collection method: clinical testing. Allele origin: germline.

PreventionGenetics, part of Exact Sciences
Classification: Uncertain significance for CEP290-related condition. Last evaluated: 2024-09-13. Review status: no assertion criteria provided. Collection method: clinical testing. Allele origin: germline. Not counted in ClinVar's aggregate classification.
Comment: The CEP290 c.3375T>A variant is predicted to result in the amino acid substitution p.Ser1125Arg. To our knowledge, this variant has not been reported in the literature. This variant is reported in 0.017% of alleles in individuals of African descent in gnomAD. At this time, the clinical significance of this variant is uncertain due to the absence of conclusive functional and genetic evidence.